The following is an entry in ClinVar:

NM_001376.5(DYNC1H1):c.13100A>C (p.Asp4367Ala)

Gene: DYNC1H1 (dynein cytoplasmic 1 heavy chain 1; plus strand). Cytogenetic location: 14q32.31.
Variant type: single nucleotide variant.
Coding change: c.13100A>C on transcript NM_001376.5 (MANE Select); coding-DNA position 13100, A replaced by C.
Protein change: p.Asp4367Ala; replaces aspartic acid 4367 with alanine.
Molecular consequence: missense variant.
Genome position (GRCh38, 1-based): chr14:102,047,910, A>C. VCF-style: chr14-102047910-A-C. GRCh37 (hg19) VCF-style: chr14-102514247-A-C.
Other names: short protein forms D4367A.
Identifiers: ClinVar variation 1716516 (VCV001716516.5), dbSNP rs2503880811, ClinGen allele CA391046112.
Genomic context (GRCh38, chr14:102,047,910, plus strand): 5'-AGATGTTGGAGGATGAGGACGACCTGGCCTACGCAGAGACTGAGAAGAAGACGAGGACAG[A>C]CTCCACGTCCGACGGGCGCCCTGCCTGGATGCGGACACTGCACACCACCGCGTCCAACTG-3'
Protein context (NP_001367.2, residues 4357-4377): YAETEKKTRT[Asp4367Ala]STSDGRPAWM

ClinVar aggregate classification (germline): Uncertain significance (1 of 4 stars; one submission).

Conditions:
Charcot-Marie-Tooth disease axonal type 2O. Also called: Charcot-Marie-Tooth disease, axonal, type 20; CHARCOT-MARIE-TOOTH NEUROPATHY, AXONAL, TYPE 2O; CHARCOT-MARIE-TOOTH DISEASE, AXONAL, AUTOSOMAL DOMINANT, TYPE 2O; Charcot-Marie-Tooth Neuropathy Type 2O. Identifiers: Orphanet 284232, MedGen C3280220, MONDO:0013644, OMIM 614228.

Submission:

Labcorp Genetics (formerly Invitae), Labcorp
Classification: Uncertain significance for Charcot-Marie-Tooth disease axonal type 2O. Last evaluated: 2022-08-16. Review status: criteria provided, single submitter. Criteria: Invitae Variant Classification Sherloc (09022015). Collection method: clinical testing. Allele origin: germline.
Comment: This variant has not been reported in the literature in individuals affected with DYNC1H1-related conditions. This variant is not present in population databases (gnomAD no frequency). This sequence change replaces aspartic acid, which is acidic and polar, with alanine, which is neutral and non-polar, at codon 4367 of the DYNC1H1 protein (p.Asp4367Ala). Advanced modeling of protein sequence and biophysical properties (such as structural, functional, and spatial information, amino acid conservation, physicochemical variation, residue mobility, and thermodynamic stability) performed at Invitae indicates that this missense variant is not expected to disrupt DYNC1H1 protein function. In summary, the available evidence is currently insufficient to determine the role of this variant in disease. Therefore, it has been classified as a Variant of Uncertain Significance.